The following is an entry in ClinVar:

NM_000219.6(KCNE1):c.150A>T (p.Val50=)

Gene: KCNE1 (potassium voltage-gated channel subfamily E regulatory subunit 1; minus strand). Cytogenetic location: 21q22.12.
Variant type: single nucleotide variant.
Coding change: c.150A>T on transcript NM_000219.6 (MANE Select); coding-DNA position 150, A replaced by T.
Protein change: p.Val50=; no amino-acid change (valine 50 retained).
Molecular consequence: synonymous variant.
Genome position (GRCh38, 1-based): chr21:34,449,485, T>A on the plus strand (A>T on the coding strand, the complement: KCNE1 is on the minus strand). VCF-style: chr21-34449485-T-A. GRCh37 (hg19) VCF-style: chr21-35821783-T-A.
Other names: c.150A>T, p.Val50= (NM_001127668.4, NM_001127669.4, NM_001127670.4 and 4 more transcripts).
Identifiers: ClinVar variation 3374178 (VCV003374178.2).

Conditions:
Long QT syndrome 5 (LQT5). Identifiers: Orphanet 101016, Orphanet 768, MedGen C1867904, MONDO:0013372, OMIM 613695.

Submission:

Roden Lab, Vanderbilt University Medical Center
No classification provided (evidence only). Condition: Long QT syndrome 5. Review status: no classification provided. Collection method: in vitro. Allele origin: not applicable. Functional consequence: Effect on ion channel function.
ClinVar note: "not provided" was previously submitted as the classification for the variant. However, the classification appeared to be based only on an observation of functional data so it was converted to no classification on 2025-07-30.